The following is an entry in ClinVar:

ClinVar aggregate classification (germline): Likely benign (0 of 4 stars; one submission).

Conditions:
MXRA8-related disorder. Also called: MXRA8-related condition.

Submission:

PreventionGenetics, part of Exact Sciences
Classification: Likely benign for MXRA8-related condition. Last evaluated: 2021-12-27. Review status: no assertion criteria provided. Collection method: clinical testing. Allele origin: germline.
Comment: This variant is classified as likely benign based on ACMG/AMP sequence variant interpretation guidelines (Richards et al. 2015 PMID: 25741868, with internal and published modifications).

NM_032348.4(MXRA8):c.906C>A (p.Gly302=)

Gene: MXRA8 (matrix remodeling associated 8; minus strand). Cytogenetic location: 1p36.33.
Variant type: single nucleotide variant.
Coding change: c.906C>A on transcript NM_032348.4 (MANE Select); coding-DNA position 906, C replaced by A.
Protein change: p.Gly302=; no amino-acid change (glycine 302 retained).
Molecular consequence: synonymous variant.
Genome position (GRCh38, 1-based): chr1:1,354,725, G>T on the plus strand (C>A on the coding strand, the complement: MXRA8 is on the minus strand). VCF-style: chr1-1354725-G-T. GRCh37 (hg19) VCF-style: chr1-1290105-G-T.
Other names: c.906C>A, p.Gly302= (NM_001282582.2, NM_001282585.1); c.879C>A, p.Gly293= (NM_001282583.2); c.603C>A, p.Gly201= (NM_001282584.2).
Identifiers: ClinVar variation 3030195 (VCV003030195.2), dbSNP rs1328715526, ClinGen allele CA415764832.